The following is an entry in ClinVar:

ClinVar aggregate classification (germline): Likely benign. Review status: criteria provided, multiple submitters, no conflicts (2 of 4 stars). 3 submissions from 3 submitters: Likely benign (2). 1 of the submissions does not count toward it. Last evaluated 2025-12-21.

Conditions:
ITSN2-related disorder. Also called: ITSN2-related condition.

Allele frequency attached by ClinVar (database versions not stated): 1000 Genomes Project 0.00060; 1000 Genomes Project 30x 0.00062; ExAC 0.00205; ESP Exome Variant Server 0.00215.
gnomAD v4.1: 4,782 of 1,577,356 alleles (0.3%); highest among the groups gnomAD compares: Non-Finnish European, 0.37%; 13 homozygotes.

Submissions (7):

Labcorp Genetics (formerly Invitae), Labcorp
Classification: Likely benign. Last evaluated: 2025-12-21. Review status: criteria provided, single submitter. Criteria: Invitae Variant Classification Sherloc (09022015). Collection method: clinical testing. Allele origin: germline.

CeGaT Center for Human Genetics Tuebingen
Classification: Likely benign. Last evaluated: 2024-12-01. Review status: criteria provided, single submitter. Criteria: CeGaT Center For Human Genetics Tuebingen Variant Classification Criteria Version 2. Collection method: clinical testing. Allele origin: germline. Affected: yes. Observed: 1 variant allele.
Comment: ITSN2: BS2

PreventionGenetics, part of Exact Sciences
Classification: Likely benign for ITSN2-related condition. Last evaluated: 2024-03-14. Review status: no assertion criteria provided. Collection method: clinical testing. Allele origin: germline. Not counted in ClinVar's aggregate classification.
Comment: This variant is classified as likely benign based on ACMG/AMP sequence variant interpretation guidelines (Richards et al. 2015 PMID: 25741868, with internal and published modifications).

Dr. Peter K. Rogan Lab, Western University
No classification provided (evidence only). Condition: Colorectal cancer. Review status: no classification provided. Collection method: in vitro. Allele origin: not applicable. Functional consequence: skipped exon. Not counted in ClinVar's aggregate classification.

Dr. Peter K. Rogan Lab, Western University
No classification provided (evidence only). Condition: Cervical cancer. Review status: no classification provided. Collection method: in vitro. Allele origin: not applicable. Functional consequence: retained intron. Not counted in ClinVar's aggregate classification.

Dr. Peter K. Rogan Lab, Western University
No classification provided (evidence only). Condition: Ovarian serous cystadenocarcinoma. Review status: no classification provided. Collection method: in vitro. Allele origin: not applicable. Functional consequence: retained intron. Not counted in ClinVar's aggregate classification.

Dr. Peter K. Rogan Lab, Western University
No classification provided (evidence only). Condition: Chronic lymphocytic leukemia/small lymphocytic lymphoma. Review status: no classification provided. Collection method: in vitro. Allele origin: not applicable. Functional consequence: retained intron. Not counted in ClinVar's aggregate classification.

NM_006277.3(ITSN2):c.2257+1G>A

Gene: ITSN2 (intersectin 2; minus strand). Cytogenetic location: 2p23.3.
Variant type: single nucleotide variant.
Coding change: c.2257+1G>A on transcript NM_006277.3 (MANE Select); the canonical splice donor site of the intron after coding-DNA position 2257, G replaced by A.
Molecular consequence: splice donor variant. On other transcripts: intron variant (3).
Genome position (GRCh38, 1-based): chr2:24,271,765, C>T on the plus strand (G>A on the coding strand, the complement: ITSN2 is on the minus strand). VCF-style: chr2-24271765-C-T. GRCh37 (hg19) VCF-style: chr2-24494634-C-T.
Other names: c.2257+1G>A (NM_006277.2, NM_147152.3); c.2137+40G>A (NM_001348182.2, NM_001348186.2); c.2176+1G>A (NM_019595.4, NM_001348183.2); c.2215+1G>A (NM_001348181.2); c.2218+40G>A (NM_001348185.2); c.2134+1G>A (NM_001348184.2).
Identifiers: ClinVar variation 2043737 (VCV002043737.19), dbSNP rs147424111, ClinGen allele CA1551242.